The following is an entry in ClinVar:

ClinVar aggregate classification (germline): Uncertain significance (1 of 4 stars; one submission).

Conditions:
Cardiomyopathy (CMYO). Also called: Cardiomyopathies. Identifiers: Orphanet 167848, MedGen C0878544, MONDO:0004994, HP:0001638. Inheritance: Various modes of inheritance.

Submission:

Color Diagnostics, LLC DBA Color Health
Classification: Uncertain significance for Cardiomyopathy. Last evaluated: 2021-01-04. Review status: criteria provided, single submitter. Criteria: ACMG Guidelines, 2015. Collection method: clinical testing. Allele origin: germline.
Comment: This variant changes 1 nucleotide in the 5' untranslated region of the ACTC1 gene. To our knowledge, functional studies have not been reported for this variant. This variant has not been reported in individuals affected with cardiovascular disorders in the literature. This variant has not been identified in the general population by the Genome Aggregation Database (gnomAD). The available evidence is insufficient to determine the role of this variant in disease conclusively. Therefore, this variant is classified as a Variant of Uncertain Significance.

NM_005159.5(ACTC1):c.-14G>C

Genes: ACTC1 (actin alpha cardiac muscle 1; minus strand), GJD2-DT (GJD2 divergent transcript; plus strand). Cytogenetic location: 15q14.
Variant type: single nucleotide variant.
Coding change: c.-14G>C on transcript NM_005159.5 (MANE Select); 14 bases upstream of the start codon, G replaced by C.
Molecular consequence: 5 prime UTR variant.
Genome position (GRCh38, 1-based): chr15:34,794,822, C>G on the plus strand (G>C on the coding strand, the complement: ACTC1 is on the minus strand). VCF-style: chr15-34794822-C-G. GRCh37 (hg19) VCF-style: chr15-35087023-C-G.
Identifiers: ClinVar variation 1171825 (VCV001171825.2), dbSNP rs2140433368, ClinGen allele CA2499222895.